The following is an entry in ClinVar:

ClinVar aggregate classification (germline): Benign (1 of 4 stars; one submission).

Conditions:
MELAS syndrome (MELAS). Also called: Juvenile myopathy, encephalopathy, lactic acidosis, stroke. Identifiers: Orphanet 550, MedGen C0162671, MONDO:0010789, OMIM 540000.

Submission:

Wong Mito Lab, Molecular and Human Genetics, Baylor College of Medicine
Classification: Benign for MELAS syndrome. Last evaluated: 2019-07-12. Review status: criteria provided, single submitter. Criteria: Modified ACMG Guidelines (Unpublished). Collection method: clinical testing. Allele origin: germline.
Comment: The NC_012920.1:m.12235T>C variant in MT-TS2 gene is interpreted to be a Benign variant based on the modified ACMG guidelines (unpublished). This variant meets the following evidence codes reported in the guidelines: BS1, BS2, BP4

Literature cited by the submitters: PubMed 31965079.

NC_012920.1(MT-TS2):m.12235T>C

Gene: MT-TS2 (mitochondrially encoded tRNA serine 2 (AGU/C); plus strand).
Variant type: single nucleotide variant.
Genome position: chrM-12235-T-C.
Identifiers: ClinVar variation 690167 (VCV000690167.1), dbSNP rs1556424083, ClinGen allele CA913169805.